The following is an entry in ClinVar:

ClinVar aggregate classification (germline): Conflicting classifications of pathogenicity. Review status: criteria provided, conflicting classifications (1 of 4 stars). 11 submissions from 10 submitters: Uncertain significance (1); Likely benign (5). 5 of the submissions do not count toward it. Last evaluated 2026-01-16.

Conditions:
Hypertrophic cardiomyopathy 19. Also called: Familial hypertrophic cardiomyopathy 19. Identifiers: MedGen CN077603, MONDO:0013476.
Hypertrophic cardiomyopathy. Also called: HYPERTROPHIC MYOCARDIOPATHY. Identifiers: Orphanet 217569, MedGen C0007194, MeSH D002312, MONDO:0005045, HP:0001639.

Allele frequency attached by ClinVar (database versions not stated): 1000 Genomes Project 30x 0.00016; 1000 Genomes Project 0.00020; ExAC 0.00057; gnomAD exomes 0.00058; TOPMed 0.00079; gnomAD 0.00083; ESP Exome Variant Server 0.00100.
gnomAD v4.1: 1,558 of 1,614,168 alleles (0.097%); highest among the groups gnomAD compares: Non-Finnish European, 0.13%; 4 homozygotes.

Submissions (11):

Labcorp Genetics (formerly Invitae), Labcorp
Classification: Likely benign for Hypertrophic cardiomyopathy 19. Last evaluated: 2026-01-16. Review status: criteria provided, single submitter. Criteria: Invitae Variant Classification Sherloc (09022015). Collection method: clinical testing. Allele origin: germline.

Women's Health and Genetics/Laboratory Corporation of America, LabCorp
Classification: Likely benign. Last evaluated: 2024-12-20. Review status: criteria provided, single submitter. Criteria: LabCorp Variant Classification Summary - May 2015. Collection method: clinical testing. Allele origin: germline.

Blueprint Genetics
Classification: Likely benign. Last evaluated: 2024-10-23. Review status: criteria provided, single submitter. Criteria: ACMG Guidelines, 2015. Collection method: clinical testing. Allele origin: germline.

Genome Diagnostics Laboratory, University Medical Center Utrecht
Classification: Likely benign for Hypertrophic cardiomyopathy 1. Last evaluated: 2017-03-21. Review status: criteria provided, single submitter. Criteria: ACGS Guidelines, 2013. Collection method: clinical testing. Allele origin: germline. Affected: yes. Study: VKGL Data-share Consensus.

Clinical Genetics DNA and cytogenetics Diagnostics Lab, Erasmus MC, Erasmus Medical Center
Classification: Uncertain significance for Hypertrophic cardiomyopathy 1. Last evaluated: 2015-09-21. Review status: criteria provided, single submitter. Criteria: ACGS Guidelines, 2013. Collection method: clinical testing. Allele origin: germline. Affected: yes. Study: VKGL Data-share Consensus.

Biesecker Lab/Clinical Genomics Section, National Institutes of Health
Classification: Likely benign for Cardiomyopathy, hypertropic. Last evaluated: 2013-06-24. Review status: criteria provided, single submitter. Criteria: Ng et al. (Circ Cardiovasc Genet. 2013). Collection method: research. Allele origin: unknown. Observed: 4 variant alleles. Study: ClinSeq.
Comment: The study set was not selected for affection status in relation to any cancer. Pathogenicity categories were based on literature curation. See Pubmed ID:23861362 for details.

Medical sequencing

OMIM
Classification: Uncertain significance for RECLASSIFIED - VARIANT OF UNKNOWN SIGNIFICANCE. Last evaluated: 2007-09-01. Review status: no assertion criteria provided. Collection method: literature only. Allele origin: germline. Not counted in ClinVar's aggregate classification.

Clinical Genetics DNA and cytogenetics Diagnostics Lab, Erasmus MC, Erasmus Medical Center
Classification: Likely benign. Review status: no assertion criteria provided. Collection method: clinical testing. Allele origin: germline. Affected: yes. Study: VKGL Data-share Consensus. Not counted in ClinVar's aggregate classification.

Clinical Genetics, Academic Medical Center
Classification: Likely benign. Review status: no assertion criteria provided. Collection method: clinical testing. Allele origin: germline. Affected: yes. Study: VKGL Data-share Consensus. Not counted in ClinVar's aggregate classification.

Diagnostic Laboratory, Department of Genetics, University Medical Center Groningen
Classification: Likely benign for Hypertrophic cardiomyopathy 1. Review status: no assertion criteria provided. Collection method: clinical testing. Allele origin: germline. Affected: yes. Study: VKGL Data-share Consensus. Not counted in ClinVar's aggregate classification.

Joint Genome Diagnostic Labs from Nijmegen and Maastricht, Radboudumc and MUMC+
Classification: Likely benign. Review status: no assertion criteria provided. Collection method: clinical testing. Allele origin: germline. Affected: yes. Study: VKGL Data-share Consensus. Not counted in ClinVar's aggregate classification.

Literature cited by the submitters: Verhagen, J. M. A., Veldman, J. H., van der Zwaag, P. A., von der Thusen,, J. H., Brosens, E., Christiaans, I., Dooijes, D., Helderman-van den Enden, A. T. J. M., Lekanne Deprez, R. H., Michels, M., van Mil, A. M., Oldenburg, R. A., van der Smagt, J. J., van den Wijngaard, A., Wessels, M. W., Hofstra, R. M. W., van Slegtenhorst, M. A., Jongbloed, J. D. H., van de Laar, I. M. B. H. Lack of evidence for a causal role of CALR3 in monogenic cardiomyopathy. Europ J. Hum. Genet. 26: 1603-1610, 2018. (cited by OMIM); PubMed 17655857 (cited by OMIM).

NM_145046.5(CALR3):c.245A>G (p.Lys82Arg)

Gene: CALR3 (calreticulin 3; minus strand). Cytogenetic location: 19p13.11.
Variant type: single nucleotide variant.
Coding change: c.245A>G on transcript NM_145046.5 (MANE Select); coding-DNA position 245, A replaced by G.
Protein change: p.Lys82Arg; replaces lysine 82 with arginine.
Molecular consequence: missense variant.
Genome position (GRCh38, 1-based): chr19:16,490,519, T>C on the plus strand (A>G on the coding strand, the complement: CALR3 is on the minus strand). VCF-style: chr19-16490519-T-C. GRCh37 (hg19) VCF-style: chr19-16601330-T-C.
Other names: short protein forms K82R.
Identifiers: ClinVar variation 30907 (VCV000030907.32), dbSNP rs142951029, ClinGen allele CA129527.